The following is an entry in ClinVar:

ClinVar aggregate classification (germline): Uncertain significance (1 of 4 stars; one submission).

Conditions:
Inborn genetic diseases. Identifiers: MedGen C0950123, MeSH D030342.

gnomAD v4.1: 1 of 1,612,182 alleles (0.000062%); highest among the groups gnomAD compares: Non-Finnish European, 0.000085%; no homozygotes.

Submission:

Ambry Genetics
Classification: Uncertain significance for Inborn genetic diseases. Last evaluated: 2025-02-01. Review status: criteria provided, single submitter. Criteria: Ambry Variant Classification Scheme 2023. Collection method: clinical testing. Allele origin: germline.
Comment: The p.Q962R variant (also known as c.2885A>G), located in coding exon 29 of the RTEL1 gene, results from an A to G substitution at nucleotide position 2885. The glutamine at codon 962 is replaced by arginine, an amino acid with highly similar properties. This amino acid position is conserved. In addition, this alteration is predicted to be tolerated by in silico analysis. Based on the available evidence, the clinical significance of this variant remains unclear.

NM_001283009.2(RTEL1):c.2885A>G (p.Gln962Arg)

Genes: RTEL1 (regulator of telomere elongation helicase 1; plus strand), RTEL1-TNFRSF6B (RTEL1-TNFRSF6B readthrough (NMD candidate); plus strand). Cytogenetic location: 20q13.33.
Variant type: single nucleotide variant.
Coding change: c.2885A>G on transcript NM_001283009.2 (MANE Select); coding-DNA position 2885, A replaced by G.
Protein change: p.Gln962Arg; replaces glutamine 962 with arginine.
Molecular consequence: missense variant. On other transcripts: non-coding transcript variant (1).
Genome position (GRCh38, 1-based): chr20:63,693,176, A>G. VCF-style: chr20-63693176-A-G. GRCh37 (hg19) VCF-style: chr20-62324529-A-G.
Other names: c.2216A>G, p.Gln739Arg (NM_001283010.1); c.2885A>G, p.Gln962Arg (NM_016434.4); c.2957A>G, p.Gln986Arg (NM_032957.5); short protein forms Q962R, Q739R, Q986R.
Identifiers: ClinVar variation 3791108 (VCV003791108.1).
Genomic context (GRCh38, chr20:63,693,176, plus strand): 5'-TGGGGACAGACGCCCCTTCCTCTACAGGCTTCTACCAGTTTGTGCGGCCCCACCATAAGC[A>G]GCAGTTTGAGGAGGTCTGTATCCAGCTGACAGGACGAGGCTGTGGCTATCGGCCTGAGCA-3'
Protein context (NP_001269938.1, residues 952-972): FYQFVRPHHK[Gln962Arg]QFEEVCIQLT